The following is an entry in ClinVar:

ClinVar aggregate classification (germline): Uncertain significance (1 of 4 stars; one submission).

Allele frequency attached by ClinVar (database versions not stated): ExAC 0.00001.

Submission:

CeGaT Center for Human Genetics Tuebingen
Classification: Uncertain significance. Last evaluated: 2024-03-01. Review status: criteria provided, single submitter. Criteria: CeGaT Center For Human Genetics Tuebingen Variant Classification Criteria Version 2. Collection method: clinical testing. Allele origin: germline. Affected: yes. Observed: 1 variant allele.
Comment: PRKACB: PM2:Supporting

NM_182948.4(PRKACB):c.202G>A (p.Ala68Thr)

Gene: PRKACB (protein kinase cAMP-activated catalytic subunit beta; plus strand). Cytogenetic location: 1p31.1.
Variant type: single nucleotide variant.
Coding change: c.202G>A on transcript NM_182948.4 (MANE Select); coding-DNA position 202, G replaced by A.
Protein change: p.Ala68Thr; replaces alanine 68 with threonine.
Molecular consequence: missense variant.
Genome position (GRCh38, 1-based): chr1:84,179,191, G>A. VCF-style: chr1-84179191-G-A. GRCh37 (hg19) VCF-style: chr1-84644874-G-A.
Other names: c.82G>A, p.Ala28Thr (NM_001242857.3, NM_001375569.1, NM_001375581.1); c.25G>A, p.Ala9Thr (NM_001242858.3, NM_001300917.2, NM_001375578.1); c.73G>A, p.Ala25Thr (NM_001242859.3, NM_001375572.1); c.79G>A, p.Ala27Thr (NM_001242860.3, NM_001300915.2, NM_001375571.1); c.70G>A, p.Ala24Thr (NM_001242861.3, NM_001375560.1, NM_001375573.1 and 1 more transcripts); c.202G>A, p.Ala68Thr (NM_001300916.2); c.55G>A, p.Ala19Thr (NM_001375561.1, NM_001375574.1, NM_001375577.1); c.58G>A, p.Ala20Thr (NM_001375562.1); and 4 more; short protein forms A16T, A17T, A19T, A20T, A21T, A24T, A25T, A27T.
Identifiers: ClinVar variation 3067714 (VCV003067714.21), dbSNP rs748059129, ClinGen allele CA924156.